The following is an entry in ClinVar:

NM_001166114.2(PNPLA6):c.1056C>T (p.Thr352=)

Gene: PNPLA6 (patatin like domain 6, lysophospholipase; plus strand). Cytogenetic location: 19p13.2.
Variant type: single nucleotide variant.
Coding change: c.1056C>T on transcript NM_001166114.2 (MANE Select); coding-DNA position 1056, C replaced by T.
Protein change: p.Thr352=; no amino-acid change (threonine 352 retained).
Molecular consequence: synonymous variant.
Genome position (GRCh38, 1-based): chr19:7,541,572, C>T. VCF-style: chr19-7541572-C-T. GRCh37 (hg19) VCF-style: chr19-7606458-C-T.
Other names: c.1083C>T, p.Thr361= (NM_001166111.2); c.939C>T, p.Thr313= (NM_001166112.2, NM_001166113.1, NM_006702.5); c.1083C>T (NM_001166111.1).
Identifiers: ClinVar variation 1142561 (VCV001142561.11), dbSNP rs759971785, ClinGen allele CA9139667.

ClinVar aggregate classification (germline): Likely benign. Review status: criteria provided, single submitter (1 of 4 stars). 2 submissions from 2 submitters: Likely benign (1). 1 of the submissions does not count toward it. Last evaluated 2025-10-31.

Conditions:
Hereditary spastic paraplegia 39 (SPG39). Also called: SPASTIC PARAPLEGIA 39, AUTOSOMAL RECESSIVE; Spastic Paraplegia Type 39 (SPG39). Identifiers: Orphanet 139480, MedGen C2677586, MONDO:0012787, OMIM 612020.
PNPLA6-related disorder. Also called: PNPLA6-related condition; PNPLA6-related disorders.

Allele frequency attached by ClinVar (database versions not stated): ExAC 0.00007; TOPMed 0.00019; gnomAD 0.00021 and 0.00022; gnomAD exomes 0.00002.
gnomAD v4.1: 56 of 1,598,198 alleles (0.0035%); highest among the groups gnomAD compares: African/African-American, 0.07%; no homozygotes.

Submissions (2):

Labcorp Genetics (formerly Invitae), Labcorp
Classification: Likely benign for Hereditary spastic paraplegia 39. Last evaluated: 2025-10-31. Review status: criteria provided, single submitter. Criteria: Invitae Variant Classification Sherloc (09022015). Collection method: clinical testing. Allele origin: germline.

PreventionGenetics, part of Exact Sciences
Classification: Likely benign for PNPLA6-related condition. Last evaluated: 2019-12-23. Review status: no assertion criteria provided. Collection method: clinical testing. Allele origin: germline. Not counted in ClinVar's aggregate classification.
Comment: This variant is classified as likely benign based on ACMG/AMP sequence variant interpretation guidelines (Richards et al. 2015 PMID: 25741868, with internal and published modifications).